The following is an entry in ClinVar:

ClinVar aggregate classification (germline): Uncertain significance (1 of 4 stars; one submission).

Allele frequency attached by ClinVar (database versions not stated): ExAC 0.00003; gnomAD exomes 0.00003; TOPMed 0.00004; gnomAD 0.00005.
gnomAD v4.1: 43 of 1,614,002 alleles (0.0027%); highest among the groups gnomAD compares: African/African-American, 0.008%; no homozygotes.

Submission:

Labcorp Genetics (formerly Invitae), Labcorp
Classification: Uncertain significance. Last evaluated: 2025-09-08. Review status: criteria provided, single submitter. Criteria: Invitae Variant Classification Sherloc (09022015). Collection method: clinical testing. Allele origin: germline.
Comment: This sequence change replaces arginine, which is basic and polar, with tryptophan, which is neutral and slightly polar, at codon 2211 of the KMT2A protein (p.Arg2211Trp). This variant is present in population databases (rs782789725, gnomAD 0.01%). This variant has not been reported in the literature in individuals affected with KMT2A-related conditions. ClinVar contains an entry for this variant (Variation ID: 1425089). Invitae Evidence Modeling of protein sequence and biophysical properties (such as structural, functional, and spatial information, amino acid conservation, physicochemical variation, residue mobility, and thermodynamic stability) indicates that this missense variant is not expected to disrupt KMT2A protein function with a negative predictive value of 95%. In summary, the available evidence is currently insufficient to determine the role of this variant in disease. Therefore, it has been classified as a Variant of Uncertain Significance.

NM_001197104.2(KMT2A):c.6631C>T (p.Arg2211Trp)

Gene: KMT2A (lysine methyltransferase 2A; plus strand). Cytogenetic location: 11q23.3.
Variant type: single nucleotide variant.
Coding change: c.6631C>T on transcript NM_001197104.2 (MANE Select); coding-DNA position 6631, C replaced by T.
Protein change: p.Arg2211Trp; replaces arginine 2211 with tryptophan.
Molecular consequence: missense variant.
Genome position (GRCh38, 1-based): chr11:118,502,523, C>T. VCF-style: chr11-118502523-C-T. GRCh37 (hg19) VCF-style: chr11-118373238-C-T.
Other names: c.6622C>T, p.Arg2208Trp (NM_005933.4); short protein forms R2211W, R2208W.
Identifiers: ClinVar variation 1425089 (VCV001425089.6), dbSNP rs782789725, ClinGen allele CA6304285.
Genomic context (GRCh38, chr11:118,502,523, plus strand): 5'-CGAAGCATTGGCTCCAGGCGTCACAGTACCTCTTCCTTATCACCCCAGCGGTCCAAACTC[C>T]GGATAATGTCTCCAATGAGAACTGGGAATACTTACTCTAGGAATAATGTTTCCTCAGTCT-3'
Protein context (NP_001184033.1, residues 2201-2221): SSLSPQRSKL[Arg2211Trp]IMSPMRTGNT